The following is an entry in ClinVar:

ClinVar aggregate classification (germline): Uncertain significance. Review status: criteria provided, multiple submitters, no conflicts (2 of 4 stars). 2 submissions from 2 submitters: Uncertain significance (2). Last evaluated 2025-12-15.

Conditions:
IL6ST-related disorder. Also called: IL6ST-related condition.

Allele frequency attached by ClinVar (database versions not stated): gnomAD 0.00006; TOPMed 0.00006; ESP Exome Variant Server 0.00008; gnomAD exomes 0.00009 and 0.00016; ExAC 0.00011.
gnomAD v4.1: 240 of 1,606,586 alleles (0.015%); highest among the groups gnomAD compares: Non-Finnish European, 0.02%; no homozygotes.

Submissions (2):

Labcorp Genetics (formerly Invitae), Labcorp
Classification: Uncertain significance. Last evaluated: 2025-12-15. Review status: criteria provided, single submitter. Criteria: Invitae Variant Classification Sherloc (09022015). Collection method: clinical testing. Allele origin: germline.
Comment: This sequence change replaces aspartic acid, which is acidic and polar, with alanine, which is neutral and non-polar, at codon 540 of the IL6ST protein (p.Asp540Ala). This variant is present in population databases (rs368246591, gnomAD 0.02%). This variant has not been reported in the literature in individuals affected with IL6ST-related conditions. ClinVar contains an entry for this variant (Variation ID: 1400766). An algorithm developed to predict the effect of missense changes on protein structure and function (PolyPhen-2) suggests that this variant is likely to be tolerated. In summary, the available evidence is currently insufficient to determine the role of this variant in disease. Therefore, it has been classified as a Variant of Uncertain Significance.

PreventionGenetics, part of Exact Sciences
Classification: Uncertain significance for IL6ST-related condition. Last evaluated: 2024-11-01. Review status: criteria provided, single submitter. Criteria: ACMG Guidelines, 2015. Collection method: clinical testing. Allele origin: germline.
Comment: The IL6ST c.1619A>C variant is predicted to result in the amino acid substitution p.Asp540Ala. To our knowledge, this variant has not been reported in the literature. This variant is reported in 0.017% of alleles in individuals of European (Non-Finnish) descent in gnomAD. At this time, the clinical significance of this variant is uncertain due to the absence of conclusive functional and genetic evidence.

NM_002184.4(IL6ST):c.1619A>C (p.Asp540Ala)

Gene: IL6ST (interleukin 6 cytokine family signal transducer; minus strand). Cytogenetic location: 5q11.2.
Variant type: single nucleotide variant.
Coding change: c.1619A>C on transcript NM_002184.4 (MANE Select); coding-DNA position 1619, A replaced by C.
Protein change: p.Asp540Ala; replaces aspartic acid 540 with alanine.
Molecular consequence: missense variant. On other transcripts: 3 prime UTR variant (1), non-coding transcript variant (2).
Genome position (GRCh38, 1-based): chr5:55,952,009, T>G on the plus strand (A>C on the coding strand, the complement: IL6ST is on the minus strand). VCF-style: chr5-55952009-T-G. GRCh37 (hg19) VCF-style: chr5-55247837-T-G.
Other names: c.1436A>C, p.Asp479Ala (NM_001190981.2); c.1517A>C, p.Asp506Ala (NM_001364275.2); c.1409A>C, p.Asp470Ala (NM_001364276.2); c.752A>C, p.Asp251Ala (NM_001364277.2); c.716A>C, p.Asp239Ala (NM_001364278.2); c.623A>C, p.Asp208Ala (NM_001364279.2); c.*546A>C (NM_175767.3); c.1619A>C (NM_002184.3); short protein forms D239A, D470A, D540A, D208A, D251A, D506A, D479A.
Identifiers: ClinVar variation 1400766 (VCV001400766.7), dbSNP rs368246591, ClinGen allele CA3271365.
Genomic context (GRCh38, chr5:55,952,009, plus strand): 5'-GTTCTATAAAATATAGTATAATTTCTGATAAATCCATTCTGAACATCAACAGGAAGTTGG[T>G]CCCACTCTAAGACAGCTTCGTTTTTCCCTACTTTTTTTGTCCGAACAGTAGGTCCTTTGG-3'
Protein context (NP_002175.2, residues 530-550): VGKNEAVLEW[Asp540Ala]QLPVDVQNGF